The following is an entry in ClinVar:

NM_020806.5(GPHN):c.1255G>C (p.Asp419His)

Gene: GPHN (gephyrin; plus strand). Cytogenetic location: 14q23.3.
Variant type: single nucleotide variant.
Coding change: c.1255G>C on transcript NM_020806.5 (MANE Select); coding-DNA position 1255, G replaced by C.
Protein change: p.Asp419His; replaces aspartic acid 419 with histidine.
Molecular consequence: missense variant.
Genome position (GRCh38, 1-based): chr14:67,100,873, G>C. VCF-style: chr14-67100873-G-C. GRCh37 (hg19) VCF-style: chr14-67567590-G-C.
Other names: c.1156G>C, p.Asp386His (NM_001024218.2); c.1315G>C, p.Asp439His (NM_001377514.1); c.1285G>C, p.Asp429His (NM_001377515.1); c.1276G>C, p.Asp426His (NM_001377516.1); c.1228G>C, p.Asp410His (NM_001377517.1); c.1213G>C, p.Asp405His (NM_001377518.1); c.1195G>C, p.Asp399His (NM_001377519.1); short protein forms D399H, D426H, D410H, D429H, D439H, D405H, D419H, D386H.
Identifiers: ClinVar variation 2865012 (VCV002865012.3), dbSNP rs2543230584, ClinGen allele CA390257688.

ClinVar aggregate classification (germline): Uncertain significance (1 of 4 stars; one submission).

Conditions:
Sulfite oxidase deficiency due to molybdenum cofactor deficiency type C. Also called: Molybdenum cofactor deficiency, complementation group C; Molybdenum cofactor deficiency C. Identifiers: Orphanet 308400, Orphanet 833, MedGen C1854990, MONDO:0014212, OMIM 615501.

gnomAD v4.1: 1 of 1,608,040 alleles (0.000062%); highest among the groups gnomAD compares: Non-Finnish European, 0.000085%; no homozygotes.

Submission:

Labcorp Genetics (formerly Invitae), Labcorp
Classification: Uncertain significance for Sulfite oxidase deficiency due to molybdenum cofactor deficiency type C. Last evaluated: 2023-05-16. Review status: criteria provided, single submitter. Criteria: Invitae Variant Classification Sherloc (09022015). Collection method: clinical testing. Allele origin: germline.
Comment: This sequence change replaces aspartic acid, which is acidic and polar, with histidine, which is basic and polar, at codon 419 of the GPHN protein (p.Asp419His). This variant is not present in population databases (gnomAD no frequency). This variant has not been reported in the literature in individuals affected with GPHN-related conditions. Advanced modeling of protein sequence and biophysical properties (such as structural, functional, and spatial information, amino acid conservation, physicochemical variation, residue mobility, and thermodynamic stability) performed at Invitae indicates that this missense variant is not expected to disrupt GPHN protein function. In summary, the available evidence is currently insufficient to determine the role of this variant in disease. Therefore, it has been classified as a Variant of Uncertain Significance.